The following is an entry in ClinVar:

NM_007294.4(BRCA1):c.4916T>C (p.Leu1639Ser)

Gene: BRCA1 (BRCA1 DNA repair associated; minus strand). Cytogenetic location: 17q21.31.
Variant type: single nucleotide variant.
Coding change: c.4916T>C on transcript NM_007294.4 (MANE Select); coding-DNA position 4916, T replaced by C.
Protein change: p.Leu1639Ser; replaces leucine 1639 with serine.
Molecular consequence: missense variant. On other transcripts: non-coding transcript variant (1).
Genome position (GRCh38, 1-based): chr17:43,070,998, A>G on the plus strand (T>C on the coding strand, the complement: BRCA1 is on the minus strand). VCF-style: chr17-43070998-A-G. GRCh37 (hg19) VCF-style: chr17-41223015-A-G.
Other names: c.4772T>C, p.Leu1591Ser (NM_001407739.1, NM_001407750.1, NM_001407751.1 and 21 more transcripts); c.4769T>C, p.Leu1590Ser (NM_001407838.1, NM_001407839.1, NM_001407841.1 and 12 more transcripts); c.4913T>C, p.Leu1638Ser (NM_001407858.1, NM_001407859.1, NM_001407860.1 and 17 more transcripts); c.4910T>C, p.Leu1637Ser (NM_001407861.1, NM_001407627.1, NM_001407628.1 and 14 more transcripts); c.4715T>C, p.Leu1572Ser (NM_001407862.1); c.4790T>C, p.Leu1597Ser (NM_001407863.1, NM_001407670.1, NM_001407671.1 and 11 more transcripts); c.4709T>C, p.Leu1570Ser (NM_001407874.1, NM_001407875.1); c.4706T>C, p.Leu1569Ser (NM_001407879.1, NM_001407881.1, NM_001407882.1 and 5 more transcripts); and 70 more; short protein forms L1639S, L535S, L1660S, L1592S, L1510S, L1512S, L1526S, L1549S.
Identifiers: ClinVar variation 628290 (VCV000628290.6), dbSNP rs1567774676, ClinGen allele CA10591690.

ClinVar aggregate classification (germline): Uncertain significance (1 of 4 stars; one submission).

Conditions:
Hereditary cancer-predisposing syndrome. Also called: Hereditary neoplastic syndrome; Tumor predisposition; Hereditary Cancer Syndrome; Neoplastic Syndromes, Hereditary. Identifiers: Orphanet 140162, MedGen C0027672, MeSH D009386, MONDO:0015356.

Submissions (2):

Color Diagnostics, LLC DBA Color Health
Classification: Uncertain significance for Hereditary cancer-predisposing syndrome. Last evaluated: 2019-05-16. Review status: criteria provided, single submitter. Criteria: ACMG Guidelines, 2015. Collection method: clinical testing. Allele origin: germline.

Brotman Baty Institute, University of Washington
No classification provided (evidence only). Condition: Breast-ovarian cancer, familial 1. Review status: no classification provided. Collection method: in vitro. Allele origin: not applicable. Functional consequence: functionally_normal. Not counted in ClinVar's aggregate classification.
ClinVar note: "not provided" was previously submitted as the classification for the variant. However, the classification appeared to be based only on an observation of functional data so it was converted to no classification on 2025-07-30.